The following is an entry in ClinVar:

NM_144687.4(NLRP12):c.803T>A (p.Ile268Asn)

Gene: NLRP12 (NLR family pyrin domain containing 12; minus strand). Cytogenetic location: 19q13.42.
Variant type: single nucleotide variant.
Coding change: c.803T>A on transcript NM_144687.4 (MANE Select); coding-DNA position 803, T replaced by A.
Protein change: p.Ile268Asn; replaces isoleucine 268 with asparagine.
Molecular consequence: missense variant.
Genome position (GRCh38, 1-based): chr19:53,810,856, A>T on the plus strand (T>A on the coding strand, the complement: NLRP12 is on the minus strand). VCF-style: chr19-53810856-A-T. GRCh37 (hg19) VCF-style: chr19-54314110-A-T.
Other names: c.803T>A, p.Ile268Asn (NM_001277126.2, NM_001277129.1); short protein forms I268N.
Identifiers: ClinVar variation 3674945 (VCV003674945.2).

ClinVar aggregate classification (germline): Uncertain significance (1 of 4 stars; one submission).

Conditions:
Familial cold autoinflammatory syndrome 2 (FCAS2). Identifiers: Orphanet 247868, MedGen C2673198, MONDO:0012724, OMIM 611762.

gnomAD v4.1: 1 of 1,614,046 alleles (0.000062%); highest among the groups gnomAD compares: Non-Finnish European, 0.000085%; no homozygotes.

Submission:

Labcorp Genetics (formerly Invitae), Labcorp
Classification: Uncertain significance for Familial cold autoinflammatory syndrome 2. Last evaluated: 2024-10-29. Review status: criteria provided, single submitter. Criteria: Invitae Variant Classification Sherloc (09022015). Collection method: clinical testing. Allele origin: germline.
Comment: This sequence change replaces isoleucine, which is neutral and non-polar, with asparagine, which is neutral and polar, at codon 268 of the NLRP12 protein (p.Ile268Asn). This variant is not present in population databases (gnomAD no frequency). This variant has not been reported in the literature in individuals affected with NLRP12-related conditions. Invitae Evidence Modeling of protein sequence and biophysical properties (such as structural, functional, and spatial information, amino acid conservation, physicochemical variation, residue mobility, and thermodynamic stability) indicates that this missense variant is expected to disrupt NLRP12 protein function with a positive predictive value of 80%. In summary, the available evidence is currently insufficient to determine the role of this variant in disease. Therefore, it has been classified as a Variant of Uncertain Significance.